The following is an entry in ClinVar:

NM_001348800.3(ZBTB20):c.1087G>A (p.Ala363Thr)

Gene: ZBTB20 (zinc finger and BTB domain containing 20; minus strand). Cytogenetic location: 3q13.31.
Variant type: single nucleotide variant.
Coding change: c.1087G>A on transcript NM_001348800.3 (MANE Select); coding-DNA position 1087, G replaced by A.
Protein change: p.Ala363Thr; replaces alanine 363 with threonine.
Molecular consequence: missense variant.
Genome position (GRCh38, 1-based): chr3:114,350,991, C>T on the plus strand (G>A on the coding strand, the complement: ZBTB20 is on the minus strand). VCF-style: chr3-114350991-C-T. GRCh37 (hg19) VCF-style: chr3-114069838-C-T.
Other names: c.1087G>A, p.Ala363Thr (NM_001164342.2, NM_001348803.3, NM_001393393.1 and 1 more transcripts); c.868G>A, p.Ala290Thr (NM_001164343.2, NM_001164344.4, NM_001164345.4 and 9 more transcripts); short protein forms A363T, A290T.
Identifiers: ClinVar variation 2252965 (VCV002252965.4), dbSNP rs2080618213, ClinGen allele CA354011767.
Genomic context (GRCh38, chr3:114,350,991, plus strand): 5'-TGGAGGAGCTGACGCCCGAGTCGAAGCTTTCACCTTTGGGCTCACTCTCGGTGCCCTCGG[C>T]CTGGTCTGTGTCTTCCGTGCACTCCTCGGATTCGTTGCGTTCCAGGATCTGCACCCTTTG-3'
Protein context (NP_001335729.1, residues 353-373): SEECTEDTDQ[Ala363Thr]EGTESEPKGE

ClinVar aggregate classification (germline): Uncertain significance. Review status: criteria provided, multiple submitters, no conflicts (2 of 4 stars). 2 submissions from 2 submitters: Uncertain significance (2). Last evaluated 2024-08-06.

Conditions:
Inborn genetic diseases. Identifiers: MedGen C0950123, MeSH D030342.

Submissions (2):

Labcorp Genetics (formerly Invitae), Labcorp
Classification: Uncertain significance. Last evaluated: 2024-08-06. Review status: criteria provided, single submitter. Criteria: Invitae Variant Classification Sherloc (09022015). Collection method: clinical testing. Allele origin: germline.
Comment: This sequence change replaces alanine, which is neutral and non-polar, with threonine, which is neutral and polar, at codon 363 of the ZBTB20 protein (p.Ala363Thr). This variant is not present in population databases (gnomAD no frequency). This variant has not been reported in the literature in individuals affected with ZBTB20-related conditions. ClinVar contains an entry for this variant (Variation ID: 2252965). Advanced modeling of protein sequence and biophysical properties (such as structural, functional, and spatial information, amino acid conservation, physicochemical variation, residue mobility, and thermodynamic stability) performed at Invitae indicates that this missense variant is not expected to disrupt ZBTB20 protein function with a negative predictive value of 95%. In summary, the available evidence is currently insufficient to determine the role of this variant in disease. Therefore, it has been classified as a Variant of Uncertain Significance.

Ambry Genetics
Classification: Uncertain significance for Inborn genetic diseases. Last evaluated: 2021-09-30. Review status: criteria provided, single submitter. Criteria: Ambry Variant Classification Scheme 2023. Collection method: clinical testing. Allele origin: germline.